The following is an entry in ClinVar:

NM_003002.4(SDHD):c.315-13dup

Gene: SDHD (succinate dehydrogenase complex subunit D; plus strand). Cytogenetic location: 11q23.1.
Variant type: Duplication.
Coding change: c.315-13dup on transcript NM_003002.4 (MANE Select); 13 bases into the intron before coding-DNA position 315, one base duplicated (T; older notation c.315-13dupT).
Molecular consequence: intron variant.
Genome position (GRCh38, 1-based): chr11:112,094,792, T duplicated; the last of 6 consecutive T bases (chr11:112,094,787-112,094,792); duplicating any one gives the same sequence. VCF-style (leftmost placement, unchanged base first): chr11-112094786-A-AT. GRCh37 (hg19) VCF-style: chr11-111965510-A-AT.
Other names: c.*13-13dup (NM_001276506.2); c.170-13dup (NM_001276503.2); c.198-13dup (NM_001276504.2).
Identifiers: ClinVar variation 1601057 (VCV001601057.9), dbSNP rs2135277277, ClinGen allele CA2573146845.

ClinVar aggregate classification (germline): Benign/Likely benign. Review status: criteria provided, multiple submitters, no conflicts (2 of 4 stars). 2 submissions from 2 submitters: Benign (1); Likely benign (1). Last evaluated 2025-03-17.

Conditions:
Pheochromocytoma/paraganglioma syndrome 1. Also called: Paraganglioma - glomus jugulare; PARAGANGLIOMATA; Paragangliomas 1; Glomus tumors familial 1; SDHD-Related Hereditary Paraganglioma-Pheochromocytoma Syndrome; PARAGANGLIOMAS, FAMILIAL NONCHROMAFFIN, 1. Identifiers: Orphanet 29072, MedGen C3494181, MONDO:0008192, OMIM 168000.
Carney-Stratakis syndrome. Also called: PARAGANGLIOMA AND GASTROINTESTINAL STROMAL TUMOR. Identifiers: Orphanet 97286, MedGen C1847319, MONDO:0011740, OMIM 606864.
Paragangliomas with sensorineural hearing loss. Identifiers: MedGen C1868633.
Cowden syndrome 3 (CWS3). Identifiers: Orphanet 201, MedGen CN166604, MONDO:0014045.
Pheochromocytoma. Also called: MAX-Related Hereditary Paraganglioma-Pheochromocytoma Syndrome. Identifiers: Orphanet 29072, MedGen C0031511, MONDO:0008233, OMIM 171300, HP:0002666.

Submissions (2):

Myriad Genetics, Inc.
Classification: Likely benign for Pheochromocytoma/paraganglioma syndrome 1. Last evaluated: 2025-03-17. Review status: criteria provided, single submitter. Criteria: Myriad Autosomal Dominant, Autosomal Recessive and X-Linked Classification Criteria (2023). Collection method: clinical testing. Allele origin: unknown.
Comment: This variant is considered likely benign. This variant is intronic and is not expected to impact mRNA splicing.

Labcorp Genetics (formerly Invitae), Labcorp
Classification: Benign for Carney-Stratakis syndrome; Paragangliomas with sensorineural hearing loss; Pheochromocytoma; Cowden syndrome 3. Last evaluated: 2022-04-13. Review status: criteria provided, single submitter. Criteria: Invitae Variant Classification Sherloc (09022015). Collection method: clinical testing. Allele origin: germline.